The following is an entry in ClinVar:

ClinVar aggregate classification (germline): Uncertain significance (1 of 4 stars; one submission).

Conditions:
Dystonic disorder. Also called: Dystonia. Identifiers: MedGen C0013421, MONDO:0003441, HP:0001332.

Allele frequency attached by ClinVar (database versions not stated): ExAC 0.00002; gnomAD 0.00002; TOPMed 0.00002.

Submission:

Labcorp Genetics (formerly Invitae), Labcorp
Classification: Uncertain significance for Dystonic disorder. Last evaluated: 2022-10-28. Review status: criteria provided, single submitter. Criteria: Invitae Variant Classification Sherloc (09022015). Collection method: clinical testing. Allele origin: germline.
Comment: This sequence change replaces aspartic acid, which is acidic and polar, with tyrosine, which is neutral and polar, at codon 215 of the SPR protein (p.Asp215Tyr). This variant is present in population databases (rs766691618, gnomAD 0.008%). This variant has not been reported in the literature in individuals affected with SPR-related conditions. ClinVar contains an entry for this variant (Variation ID: 1021632). Advanced modeling of protein sequence and biophysical properties (such as structural, functional, and spatial information, amino acid conservation, physicochemical variation, residue mobility, and thermodynamic stability) performed at Invitae indicates that this missense variant is expected to disrupt SPR protein function. In summary, the available evidence is currently insufficient to determine the role of this variant in disease. Therefore, it has been classified as a Variant of Uncertain Significance.

NM_003124.5(SPR):c.643G>T (p.Asp215Tyr)

Gene: SPR (sepiapterin reductase; plus strand). Cytogenetic location: 2p13.2.
Variant type: single nucleotide variant.
Coding change: c.643G>T on transcript NM_003124.5 (MANE Select); coding-DNA position 643, G replaced by T.
Protein change: p.Asp215Tyr; replaces aspartic acid 215 with tyrosine.
Molecular consequence: missense variant.
Genome position (GRCh38, 1-based): chr2:72,891,394, G>T. VCF-style: chr2-72891394-G-T. GRCh37 (hg19) VCF-style: chr2-73118523-G-T.
Other names: short protein forms D215Y.
Identifiers: ClinVar variation 1021632 (VCV001021632.6), dbSNP rs766691618, ClinGen allele CA1709011.